The following is an entry in ClinVar:

ClinVar aggregate classification (germline): Pathogenic (1 of 4 stars; one submission).

Conditions:
Ataxia-telangiectasia syndrome (AT). Also called: Ataxia-telangiectasia; AT, COMPLEMENTATION GROUP C; ATAXIA-TELANGIECTASIA, FRESNO VARIANT; Ataxia-telangiectasia, complementation group D; Ataxia-telangiectasia, complementation group E; LOUIS-BAR SYNDROME. Identifiers: Orphanet 100, MedGen C0004135, MONDO:0008840, OMIM 208900.

Submission:

Labcorp Genetics (formerly Invitae), Labcorp
Classification: Pathogenic for Ataxia-telangiectasia syndrome. Last evaluated: 2022-07-29. Review status: criteria provided, single submitter. Criteria: Invitae Variant Classification Sherloc (09022015). Collection method: clinical testing. Allele origin: germline.
Comment: This variant is not present in population databases (gnomAD no frequency). This sequence change creates a premature translational stop signal (p.Lys1772*) in the ATM gene. It is expected to result in an absent or disrupted protein product. Loss-of-function variants in ATM are known to be pathogenic (PMID: 23807571, 25614872). This variant has not been reported in the literature in individuals affected with ATM-related conditions. For these reasons, this variant has been classified as Pathogenic. Algorithms developed to predict the effect of sequence changes on RNA splicing suggest that this variant may disrupt the consensus splice site.

Literature cited by the submitters: PubMed 23807571; PubMed 25614872.

NM_000051.4(ATM):c.5314A>T (p.Lys1772Ter)

Gene: ATM (ATM serine/threonine kinase; plus strand). Cytogenetic location: 11q22.3.
Variant type: single nucleotide variant.
Coding change: c.5314A>T on transcript NM_000051.4 (MANE Select); coding-DNA position 5314, A replaced by T.
Protein change: p.Lys1772Ter; replaces lysine 1772 with a stop codon.
Molecular consequence: nonsense.
Genome position (GRCh38, 1-based): chr11:108,301,784, A>T. VCF-style: chr11-108301784-A-T. GRCh37 (hg19) VCF-style: chr11-108172511-A-T.
Other names: c.5314A>T, p.Lys1772Ter (NM_001351834.2); short protein forms K1772*.
Identifiers: ClinVar variation 2020222 (VCV002020222.4), dbSNP rs1591709181, ClinGen allele CA382542808.
Genomic context (GRCh38, chr11:108,301,784, plus strand): 5'-ATTTATAAGATGACAACAGATCCAATGCTGGCCTATCTACAGCCTTTTAGAACATCAAGA[A>T]AAAAGGTCTCTTAAGTAATAAATGTTTATTGAATACCCAGCATATCTAAAACAGTTCTGT-3'